The following is an entry in ClinVar:

NM_020921.4(NIN):c.1603C>G (p.Gln535Glu)

Gene: NIN (ninein; minus strand). Cytogenetic location: 14q22.1.
Variant type: single nucleotide variant.
Coding change: c.1603C>G on transcript NM_020921.4 (MANE Select); coding-DNA position 1603, C replaced by G.
Protein change: p.Gln535Glu; replaces glutamine 535 with glutamic acid.
Molecular consequence: missense variant.
Genome position (GRCh38, 1-based): chr14:50,766,339, G>C on the plus strand (C>G on the coding strand, the complement: NIN is on the minus strand). VCF-style: chr14-50766339-G-C. GRCh37 (hg19) VCF-style: chr14-51233057-G-C.
Other names: c.1603C>G, p.Gln535Glu (NM_016350.5, NM_182944.3, NM_182946.2); short protein forms Q535E.
Identifiers: ClinVar variation 2147802 (VCV002147802.4), dbSNP rs776968871, ClinGen allele CA7182150.
Genomic context (GRCh38, chr14:50,766,339, plus strand): 5'-ACTTACTCAGTTCTCTTTGTCTACCTACCCTGCACTGCCGCTCATATTCATTTCTCATCT[G>C]TGTCAGTCTCTCTTCTTGCAGGAAGAACTCAGCACTGCTAGGATCGAGGTCACCAAACTA-3'
Protein context (NP_065972.4, residues 525-545): EFFLQEERLT[Gln535Glu]MRNEYERQCR

ClinVar aggregate classification (germline): Uncertain significance (1 of 4 stars; one submission).

Allele frequency attached by ClinVar (database versions not stated): ExAC 0.00001; gnomAD exomes 0.00001; TOPMed 0.00002.
gnomAD v4.1: 24 of 1,613,936 alleles (0.0015%); highest among the groups gnomAD compares: Admixed American, 0.0033%; no homozygotes.

Submission:

Labcorp Genetics (formerly Invitae), Labcorp
Classification: Uncertain significance. Last evaluated: 2022-05-28. Review status: criteria provided, single submitter. Criteria: Invitae Variant Classification Sherloc (09022015). Collection method: clinical testing. Allele origin: germline.
Comment: In summary, the available evidence is currently insufficient to determine the role of this variant in disease. Therefore, it has been classified as a Variant of Uncertain Significance. Algorithms developed to predict the effect of missense changes on protein structure and function are either unavailable or do not agree on the potential impact of this missense change (SIFT: "Deleterious"; PolyPhen-2: "Possibly Damaging"; Align-GVGD: "Class C0"). This variant has not been reported in the literature in individuals affected with NIN-related conditions. This variant is present in population databases (rs776968871, gnomAD 0.007%). This sequence change replaces glutamine, which is neutral and polar, with glutamic acid, which is acidic and polar, at codon 535 of the NIN protein (p.Gln535Glu).